The following is an entry in ClinVar:

NC_000011.9:g.(?_35282441)_(35287325_?)del

Gene: SLC1A2 (solute carrier family 1 member 2; minus strand). Cytogenetic location: 11p13.
Variant type: Deletion.
Identifiers: ClinVar variation 3244753 (VCV003244753.1).

ClinVar aggregate classification (germline): Uncertain significance (1 of 4 stars; one submission).

Submission:

Labcorp Genetics (formerly Invitae), Labcorp
Classification: Uncertain significance. Last evaluated: 2023-05-02. Review status: criteria provided, single submitter. Criteria: Invitae Variant Classification Sherloc (09022015). Collection method: clinical testing. Allele origin: unknown.
Comment: This variant has not been reported in the literature in individuals affected with SLC1A2-related conditions. In summary, the available evidence is currently insufficient to determine the role of this variant in disease. Therefore, it has been classified as a Variant of Uncertain Significance. This variant is a gross deletion of the genomic region encompassing exon(s) 10-11 of the SLC1A2 gene, which includes the termination codon. This deletion extends beyond the assayed region for this gene and therefore may encompass additional genes. While this deletion is not anticipated to lead to nonsense mediated decay, it is expected to alter mRNA translation or result in a truncated protein product.